The following is an entry in ClinVar:

ClinVar aggregate classification (germline): Uncertain significance (1 of 4 stars; one submission).

Conditions:
Familial melanoma. Also called: Hereditary melanoma; Hereditary cutaneous melanoma. Identifiers: Orphanet 618, MedGen C1512419, MONDO:0018961.

Submission:

Labcorp Genetics (formerly Invitae), Labcorp
Classification: Uncertain significance for Familial melanoma. Last evaluated: 2021-01-29. Review status: criteria provided, single submitter. Criteria: Invitae Variant Classification Sherloc (09022015). Collection method: clinical testing. Allele origin: germline.
Comment: In summary, the available evidence is currently insufficient to determine the role of this variant in disease. Therefore, it has been classified as a Variant of Uncertain Significance. Advanced modeling of protein sequence and biophysical properties (such as structural, functional, and spatial information, amino acid conservation, physicochemical variation, residue mobility, and thermodynamic stability) performed at Invitae indicates that this missense variant is not expected to disrupt CDK4 protein function. This variant has not been reported in the literature in individuals with CDK4-related conditions. This variant is not present in population databases (ExAC no frequency). This sequence change replaces glutamic acid with aspartic acid at codon 265 of the CDK4 protein (p.Glu265Asp). The glutamic acid residue is moderately conserved and there is a small physicochemical difference between glutamic acid and aspartic acid.

NM_000075.4(CDK4):c.795G>C (p.Glu265Asp)

Genes: CDK4 (cyclin dependent kinase 4; minus strand), TSPAN31 (tetraspanin 31; plus strand). Cytogenetic location: 12q14.1.
Variant type: single nucleotide variant.
Coding change: c.795G>C on transcript NM_000075.4 (MANE Select); coding-DNA position 795, G replaced by C.
Protein change: p.Glu265Asp; replaces glutamic acid 265 with aspartic acid.
Molecular consequence: missense variant. On other transcripts: 3 prime UTR variant (3).
Genome position (GRCh38, 1-based): chr12:57,749,206, C>G on the plus strand (G>C on the coding strand, the complement: CDK4 is on the minus strand). VCF-style: chr12-57749206-C-G. GRCh37 (hg19) VCF-style: chr12-58142989-C-G.
Other names: c.*1916C>G (NM_001330168.2, NM_001330169.2, NM_005981.5); short protein forms E265D.
Identifiers: ClinVar variation 1405797 (VCV001405797.8), dbSNP rs747521511, ClinGen allele CA385543048.